The following is an entry in ClinVar:

NM_004628.5(XPC):c.597A>C (p.Lys199Asn)

Gene: XPC (XPC complex subunit, DNA damage recognition and repair factor; minus strand). Cytogenetic location: 3p25.1.
Variant type: single nucleotide variant.
Coding change: c.597A>C on transcript NM_004628.5 (MANE Select); coding-DNA position 597, A replaced by C.
Protein change: p.Lys199Asn; replaces lysine 199 with asparagine.
Molecular consequence: missense variant. On other transcripts: non-coding transcript variant (2).
Genome position (GRCh38, 1-based): chr3:14,167,193, T>G on the plus strand (A>C on the coding strand, the complement: XPC is on the minus strand). VCF-style: chr3-14167193-T-G. GRCh37 (hg19) VCF-style: chr3-14208693-T-G.
Other names: c.18A>C, p.Lys6Asn (NM_001354726.2); c.597A>C, p.Lys199Asn (NM_001354727.2, NM_001354730.2); c.579A>C, p.Lys193Asn (NM_001354729.2); short protein forms K199N, K193N, K6N.
Identifiers: ClinVar variation 135477 (VCV000135477.2), dbSNP rs587778759, ClinGen allele CA162889.

ClinVar aggregate classification (germline): Uncertain significance. Review status: no assertion criteria provided (0 of 4 stars). 2 submissions from 2 submitters: Uncertain significance (1). 1 of the submissions does not count toward it. Last evaluated 2017-01-19.

Conditions:
Xeroderma pigmentosum, group C (XPC). Also called: XPC-Related Xeroderma Pigmentosum; Xeroderma pigmentosum, complementation group C; XERODERMA PIGMENTOSUM III; XP, GROUP C. Identifiers: Orphanet 910, MedGen C2752147, MONDO:0010211, OMIM 278720.

Allele frequency attached by ClinVar (database versions not stated): ExAC 0.00001; gnomAD 0.00002 and 0.00003; gnomAD exomes 0.00002 and 0.00003; TOPMed 0.00003.
gnomAD v4.1: 43 of 1,610,138 alleles (0.0027%); highest among the groups gnomAD compares: Admixed American, 0.005%; no homozygotes.

Submissions (2):

Counsyl
Classification: Uncertain significance for Xeroderma pigmentosum, group C. Last evaluated: 2017-01-19. Review status: no assertion criteria provided. Collection method: clinical testing. Allele origin: unknown.

ITMI
No classification provided. Condition: AllHighlyPenetrant. Last evaluated: 2013-09-19. Review status: no classification provided. Collection method: reference population. Allele origin: germline. Not counted in ClinVar's aggregate classification.
Comment: Please see associated publication for description of ethnicities

Literature cited by the submitters: PubMed 24728327 (cited by ITMI).